The following is an entry in ClinVar:

ClinVar aggregate classification (germline): Uncertain significance. Review status: criteria provided, single submitter (1 of 4 stars). 2 submissions from 2 submitters: Uncertain significance (1). 1 of the submissions does not count toward it. Last evaluated 2025-05-08.

Conditions:
ALG8-related disorder.

Allele frequency attached by ClinVar (database versions not stated): gnomAD exomes below 0.00001.
gnomAD v4.1: 1 of 1,613,546 alleles (0.000062%); highest among the groups gnomAD compares: Middle Eastern, 0.016%; no homozygotes.

Submissions (2):

GeneDx
Classification: Uncertain significance. Last evaluated: 2025-05-08. Review status: criteria provided, single submitter. Criteria: GeneDx Variant Classification Process June 2021. Collection method: clinical testing. Allele origin: germline. Affected: yes.
Comment: Identified in at least one individual of Israeli Bedouin descent, however, additional information was not provided (PMID: 33543475); Not observed at significant frequency in large population cohorts (gnomAD); In silico analysis supports that this missense variant has a deleterious effect on protein structure/function; In silico analysis is inconclusive as to whether the variant alters gene splicing. In the absence of RNA/functional studies, the actual effect of this sequence change is unknown.; This variant is associated with the following publications: (PMID: 33543475)

PreventionGenetics, part of Exact Sciences
Classification: Uncertain significance for ALG8-related condition. Last evaluated: 2023-11-03. Review status: no assertion criteria provided. Collection method: clinical testing. Allele origin: germline. Not counted in ClinVar's aggregate classification.
Comment: The ALG8 c.104C>T variant is predicted to result in the amino acid substitution p.Thr35Ile. This variant has been reported in association with autosomal recessive congenital disorder of glycosylation type 1h (Zlotogora et al. 2021. PubMed ID: 33543475). This variant is reported in a single heterozygous individual from the "Other" population in gnomAD. At this time, the clinical significance of this variant is uncertain due to the absence of conclusive functional and genetic evidence.

NM_024079.5(ALG8):c.104C>T (p.Thr35Ile)

Gene: ALG8 (ALG8 alpha-1,3-glucosyltransferase; minus strand). Cytogenetic location: 11q14.1.
Variant type: single nucleotide variant.
Coding change: c.104C>T on transcript NM_024079.5 (MANE Select); coding-DNA position 104, C replaced by T.
Protein change: p.Thr35Ile; replaces threonine 35 with isoleucine.
Molecular consequence: missense variant.
Genome position (GRCh38, 1-based): chr11:78,127,428, G>A on the plus strand (C>T on the coding strand, the complement: ALG8 is on the minus strand). VCF-style: chr11-78127428-G-A. GRCh37 (hg19) VCF-style: chr11-77838474-G-A.
Other names: c.104C>T, p.Thr35Ile (NM_001007027.3, NM_001425220.1, NM_001425221.1 and 14 more transcripts); c.107C>T, p.Thr36Ile (NM_001425219.1); c.-161C>T (NM_001425234.1, NM_001425239.1); c.-409C>T (NM_001425241.1); c.-447C>T (NM_001425242.1); short protein forms T35I, T36I.
Identifiers: ClinVar variation 3043654 (VCV003043654.4), dbSNP rs866672190, ClinGen allele CA224884279.
Genomic context (GRCh38, chr11:78,127,428, plus strand): 5'-CACTGTGATATTGGCAAACTGTGAGTGATAGCAAGCCAGTTTCGGTGTACTTCAAAATCT[G>A]TGGAATGGCTACTCAAAACAATTAGATAAATAAAATGAGATTTTGCAATATTTATCAATT-3'
Protein context (NP_076984.2, residues 25-45): KCLLIPTYHS[Thr35Ile]DFEVHRNWLA